The following is an entry in ClinVar:

NM_032656.4(DHX37):c.2956G>A (p.Val986Met)

Gene: DHX37 (DEAH-box helicase 37; minus strand). Cytogenetic location: 12q24.31.
Variant type: single nucleotide variant.
Coding change: c.2956G>A on transcript NM_032656.4 (MANE Select); coding-DNA position 2956, G replaced by A.
Protein change: p.Val986Met; replaces valine 986 with methionine.
Molecular consequence: missense variant.
Genome position (GRCh38, 1-based): chr12:124,950,717, C>T on the plus strand (G>A on the coding strand, the complement: DHX37 is on the minus strand). VCF-style: chr12-124950717-C-T. GRCh37 (hg19) VCF-style: chr12-125435263-C-T.
Other names: short protein forms V986M.
Identifiers: ClinVar variation 1030047 (VCV001030047.6), dbSNP rs111456585, ClinGen allele CA245248550.

ClinVar aggregate classification (germline): Uncertain significance. Review status: criteria provided, multiple submitters, no conflicts (2 of 4 stars). 3 submissions from 3 submitters: Uncertain significance (3). Last evaluated 2025-07-02.

Conditions:
Neurodevelopmental disorder with brain anomalies and with or without vertebral or cardiac anomalies. Identifiers: MedGen C5231481, MONDO:0032888, OMIM 618731.
46,XY sex reversal 11. Also called: Vanishing testis; Testicular regression syndrome; ANORCHIA, FAMILIAL; TESTICULAR REGRESSION, EMBRYONIC. Identifiers: Orphanet 983, MedGen C0266427, MONDO:8000015, OMIM 273250, HP:0012870.

Allele frequency attached by ClinVar (database versions not stated): gnomAD exomes 0.00001 and 0.00002; gnomAD 0.00003; TOPMed 0.00003.
gnomAD v4.1: 47 of 1,611,502 alleles (0.0029%); highest among the groups gnomAD compares: Middle Eastern, 0.016%; no homozygotes.

Submissions (3):

Labcorp Genetics (formerly Invitae), Labcorp
Classification: Uncertain significance. Last evaluated: 2025-07-02. Review status: criteria provided, single submitter. Criteria: Invitae Variant Classification Sherloc (09022015). Collection method: clinical testing. Allele origin: germline.
Comment: This sequence change replaces valine, which is neutral and non-polar, with methionine, which is neutral and non-polar, at codon 986 of the DHX37 protein (p.Val986Met). This variant is present in population databases (rs111456585, gnomAD 0.002%). This variant has not been reported in the literature in individuals affected with DHX37-related conditions. ClinVar contains an entry for this variant (Variation ID: 1030047). Invitae Evidence Modeling of protein sequence and biophysical properties (such as structural, functional, and spatial information, amino acid conservation, physicochemical variation, residue mobility, and thermodynamic stability) indicates that this missense variant is not expected to disrupt DHX37 protein function with a negative predictive value of 80%. In summary, the available evidence is currently insufficient to determine the role of this variant in disease. Therefore, it has been classified as a Variant of Uncertain Significance.

Genomic Medicine Center of Excellence, King Faisal Specialist Hospital and Research Centre
Classification: Uncertain significance for 46,XY sex reversal 11. Last evaluated: 2024-03-25. Review status: criteria provided, single submitter. Criteria: ACMG Guidelines, 2015. Collection method: clinical testing. Allele origin: germline.

Baylor Genetics
Classification: Uncertain significance for Neurodevelopmental disorder with brain anomalies and with or without vertebral or cardiac anomalies. Last evaluated: 2020-06-10. Review status: criteria provided, single submitter. Criteria: ACMG Guidelines, 2015. Collection method: clinical testing. Allele origin: unknown. Affected: yes.
Comment: This variant was determined to be of uncertain significance according to ACMG Guidelines, 2015 [PMID:25741868].